The following is an entry in ClinVar:

ClinVar aggregate classification (germline): Pathogenic/Likely pathogenic. Review status: criteria provided, multiple submitters, no conflicts (2 of 4 stars). 2 submissions from 2 submitters: Pathogenic (1); Likely pathogenic (1). Last evaluated 2023-11-14.

Conditions:
Cholestanol storage disease (CTX). Also called: CEREBRAL CHOLESTERINOSIS; Cerebrotendinous Xanthomatosis; CTX: Cerebrotendinous xanthomatosis. Identifiers: Orphanet 909, MedGen C0238052, MONDO:0008948, OMIM 213700.

Submissions (2):

Labcorp Genetics (formerly Invitae), Labcorp
Classification: Pathogenic for Cholestanol storage disease. Last evaluated: 2023-11-14. Review status: criteria provided, single submitter. Criteria: Invitae Variant Classification Sherloc (09022015). Collection method: clinical testing. Allele origin: germline.
Comment: This sequence change creates a premature translational stop signal (p.Thr340Hisfs*5) in the CYP27A1 gene. It is expected to result in an absent or disrupted protein product. Loss-of-function variants in CYP27A1 are known to be pathogenic (PMID: 9392430, 10775536, 26937392). This variant is present in population databases (no rsID available, gnomAD 0.0009%). This variant has not been reported in the literature in individuals affected with CYP27A1-related conditions. This variant is also known as c.1017+1del. ClinVar contains an entry for this variant (Variation ID: 1365358). Algorithms developed to predict the effect of sequence changes on RNA splicing suggest that this variant may disrupt the consensus splice site. For these reasons, this variant has been classified as Pathogenic.

Baylor Genetics
Classification: Likely pathogenic for Cholestanol storage disease. Last evaluated: 2021-12-29. Review status: criteria provided, single submitter. Criteria: ACMG Guidelines, 2015. Collection method: clinical testing. Allele origin: unknown.

Literature cited by the submitters: PubMed 9392430 (cited by Labcorp Genetics (formerly Invitae), Labcorp); PubMed 10775536 (cited by Labcorp Genetics (formerly Invitae), Labcorp); PubMed 26937392 (cited by Labcorp Genetics (formerly Invitae), Labcorp).

NM_000784.4(CYP27A1):c.1017+1del

Gene: CYP27A1 (cytochrome P450 family 27 subfamily A member 1; plus strand). Cytogenetic location: 2q35.
Variant type: Deletion.
Coding change: c.1017+1del on transcript NM_000784.4 (MANE Select); the canonical splice donor site of the intron after coding-DNA position 1017, one base deleted (G; older notation c.1017+1delG).
Molecular consequence: splice donor variant.
Genome position (GRCh38, 1-based): chr2:218,813,097, G deleted; the last of 2 consecutive G bases (chr2:218,813,096-218,813,097); deleting either gives the same sequence. VCF-style (leftmost placement, unchanged base first): chr2-218813095-CG-C. GRCh37 (hg19) VCF-style: chr2-219677818-CG-C.
Identifiers: ClinVar variation 1365358 (VCV001365358.7), dbSNP rs1559392904, ClinGen allele CA539840526.
Genomic context (GRCh38, chr2:218,813,095, plus strand): 5'-AGCTCAGTCCTCGGGAGGCCATGGGCAGCCTGCCTGAGCTGCTCATGGCTGGAGTGGACA[CG>C]GTGCGTGAAGGGGGAGGGTGAGACCAGGGGCCCCCAGCTCCCAACCTGAACCAGTTCCCT-3'